The following is an entry in ClinVar:

NM_001148.6(ANK2):c.4510C>G (p.Leu1504Val)

Gene: ANK2 (ankyrin 2; plus strand). Cytogenetic location: 4q26.
Variant type: single nucleotide variant.
Coding change: c.4510C>G on transcript NM_001148.6 (MANE Select); coding-DNA position 4510, C replaced by G.
Protein change: p.Leu1504Val; replaces leucine 1504 with valine.
Molecular consequence: missense variant. On other transcripts: intron variant (68).
Genome position (GRCh38, 1-based): chr4:113,353,128, C>G. VCF-style: chr4-113353128-C-G. GRCh37 (hg19) VCF-style: chr4-114274284-C-G.
Other names: c.4264+2879C>G (NM_001354245.2, NM_001354262.2, NM_001354275.2); c.4228+2879C>G (NM_001354268.2); c.4126+2879C>G (NM_001354273.2); c.4426+2879C>G (NM_020977.5); c.4483+2879C>G (NM_001386152.1); c.4504+2879C>G (NM_001354237.2); c.4405+2879C>G (NM_001354230.2); c.4468+2879C>G (NM_001354231.2, NM_001354242.2); and 35 more; short protein forms L1504V, L304V, L1543V, L1551V, L1426V.
Identifiers: ClinVar variation 3652208 (VCV003652208.2).
Genomic context (GRCh38, chr4:113,353,128, plus strand): 5'-ACATCTGTCCTGAAAAGTCACCTGGTTAATGAAGTTCCTGTCCTAGCAAGTCCGGACTTG[C>G]TCTCTGAAGTTTCTGAGATGAAACAAGATTTGATCAAAATGACCGCCATCTTGACCACAG-3'
Protein context (NP_001139.3, residues 1494-1514): EVPVLASPDL[Leu1504Val]SEVSEMKQDL

ClinVar aggregate classification (germline): Uncertain significance (1 of 4 stars; one submission).

Conditions:
Long QT syndrome (LQTS). Identifiers: MedGen C0023976, MeSH D008133, MONDO:0002442. Disease mechanism: loss of function. Inheritance: Various modes of inheritance.

Submission:

Labcorp Genetics (formerly Invitae), Labcorp
Classification: Uncertain significance for Long QT syndrome. Last evaluated: 2024-05-12. Review status: criteria provided, single submitter. Criteria: Invitae Variant Classification Sherloc (09022015). Collection method: clinical testing. Allele origin: germline.
Comment: This sequence change replaces leucine, which is neutral and non-polar, with valine, which is neutral and non-polar, at codon 1504 of the ANK2 protein (p.Leu1504Val). This variant is not present in population databases (gnomAD no frequency). This variant has not been reported in the literature in individuals affected with ANK2-related conditions. An algorithm developed to predict the effect of missense changes on protein structure and function (PolyPhen-2) suggests that this variant is likely to be disruptive. In summary, the available evidence is currently insufficient to determine the role of this variant in disease. Therefore, it has been classified as a Variant of Uncertain Significance.